The following is an entry in ClinVar:

ClinVar aggregate classification (germline): Likely pathogenic (0 of 4 stars; one submission).

Conditions:
22q11.2 central deletion syndrome.

Submission:

Shanghai First Maternity and Infant Hospital, Tongji University
Classification: Likely pathogenic for 22q11.2 central deletion syndrome. Last evaluated: 2019-03-02. Review status: no assertion criteria provided. Collection method: clinical testing. Allele origin: maternal. Affected: no. Observed: 2 variant alleles.
Comment: two fetuses with normal ultrasound

GRCh37/hg19 22q11.21(chr22:20716876-21800471)x1

Genes: AIFM3 (AIF family member 3; plus strand), CRKL (CRK like proto-oncogene, adaptor protein; plus strand), GGT2 (gamma-glutamyltransferase 2; minus strand), HIC2 (HIC ZBTB transcriptional repressor 2; plus strand), KLHL22 (kelch like family member 22; minus strand) and 12 more. Cytogenetic location: 22q11.21.
Variant type: copy number loss.
Change: copy number 1 (one copy instead of two) of chr22:20,716,876-21,800,471 (1.08 Mb, GRCh37 coordinates, 1-based), cytogenetic band 22q11.21.
Identifiers: ClinVar variation 636290 (VCV000636290.2).